The following is an entry in ClinVar:

NM_001369.3(DNAH5):c.8659_8660del (p.Glu2887fs)

Gene: DNAH5 (dynein axonemal heavy chain 5; minus strand). Cytogenetic location: 5p15.2.
Variant type: Deletion.
Coding change: c.8659_8660del on transcript NM_001369.3 (MANE Select); coding-DNA positions 8659 to 8660, 2 bases deleted (GA; older notation c.8659_8660delGA).
Protein change: p.Glu2887fs; shifts the reading frame from glutamic acid 2887.
Molecular consequence: frameshift variant.
Genome position (GRCh38, 1-based): chr5:13,786,339-13,786,340, TC deleted on the plus strand (GA on the coding strand, the reverse complement: DNAH5 is on the minus strand). VCF-style (leftmost placement, unchanged base first): chr5-13786338-TTC-T. GRCh37 (hg19) VCF-style: chr5-13786447-TTC-T.
Other names: short protein forms E2887fs.
Identifiers: ClinVar variation 1724876 (VCV001724876.2), dbSNP rs2546713774, ClinGen allele CA2580072042.

ClinVar aggregate classification (germline): Likely pathogenic (1 of 4 stars; one submission).

Conditions:
Primary ciliary dyskinesia 3. Identifiers: Orphanet 244, MedGen C1837618, MONDO:0012085, OMIM 608644.

Submission:

Myriad Genetics, Inc.
Classification: Likely pathogenic for Primary ciliary dyskinesia 3. Last evaluated: 2022-03-02. Review status: criteria provided, single submitter. Criteria: Myriad Women's Health Autosomal Recessive and X-Linked Classification Criteria (2021). Collection method: clinical testing. Allele origin: unknown.
Comment: NM_001369.2(DNAH5):c.8659_8660delGA(E2887Rfs*3) is expected to be pathogenic in the context of DNAH5-related primary ciliary dyskinesia. This variant is predicted to lead to an abnormal or absent protein product due to the creation of a premature termination codon in DNAH5, a gene where loss-of-function variants are known to be pathogenic. Please note: this variant was assessed in the context of healthy population screening.